The following is an entry in ClinVar:

NM_016111.4(TELO2):c.2501C>T (p.Pro834Leu)

Gene: TELO2 (telomere maintenance 2; plus strand). Cytogenetic location: 16p13.3.
Variant type: single nucleotide variant.
Coding change: c.2501C>T on transcript NM_016111.4 (MANE Select); coding-DNA position 2501, C replaced by T.
Protein change: p.Pro834Leu; replaces proline 834 with leucine.
Molecular consequence: missense variant.
Genome position (GRCh38, 1-based): chr16:1,509,923, C>T. VCF-style: chr16-1509923-C-T. GRCh37 (hg19) VCF-style: chr16-1559924-C-T.
Other names: c.2501C>T, p.Pro834Leu (NM_001351846.2); c.2501C>T (NM_016111.3); short protein forms P834L.
Identifiers: ClinVar variation 2180888 (VCV002180888.3), dbSNP rs370979904, ClinGen allele CA7812720.
Genomic context (GRCh38, chr16:1,509,923, plus strand): 5'-GGACGCTGGCACTGAGGGCCCTGCTGCTTCTGCAGAGACTCAAGAACAGGCTCCTCCCAC[C>T]CGCGTCTCCCTAGTCCCTGGAGGCCTCCCCAGGACCACCCTCGCCGACAGCAAGGCAGGC-3'
Protein context (NP_057195.2, residues 824-837): LQRLKNRLLP[Pro834Leu]ASP

ClinVar aggregate classification (germline): Conflicting classifications of pathogenicity. Review status: criteria provided, conflicting classifications (1 of 4 stars). 2 submissions from 2 submitters: Uncertain significance (1); Likely benign (1). Last evaluated 2025-08-05.

Conditions:
Inborn genetic diseases. Identifiers: MedGen C0950123, MeSH D030342.

Allele frequency attached by ClinVar (database versions not stated): TOPMed 0.00002; gnomAD 0.00003; gnomAD exomes 0.00004; ESP Exome Variant Server 0.00008; ExAC 0.00015.

Submissions (2):

Ambry Genetics
Classification: Likely benign for Inborn genetic diseases. Last evaluated: 2025-08-05. Review status: criteria provided, single submitter. Criteria: Ambry Variant Classification Scheme 2023. Collection method: clinical testing. Allele origin: germline.

Labcorp Genetics (formerly Invitae), Labcorp
Classification: Uncertain significance. Last evaluated: 2025-06-16. Review status: criteria provided, single submitter. Criteria: Invitae Variant Classification Sherloc (09022015). Collection method: clinical testing. Allele origin: germline.
Comment: This sequence change replaces proline, which is neutral and non-polar, with leucine, which is neutral and non-polar, at codon 834 of the TELO2 protein (p.Pro834Leu). This variant is present in population databases (rs370979904, gnomAD 0.02%). This variant has not been reported in the literature in individuals affected with TELO2-related conditions. ClinVar contains an entry for this variant (Variation ID: 2180888). Invitae Evidence Modeling of protein sequence and biophysical properties (such as structural, functional, and spatial information, amino acid conservation, physicochemical variation, residue mobility, and thermodynamic stability) indicates that this missense variant is not expected to disrupt TELO2 protein function with a negative predictive value of 95%. In summary, the available evidence is currently insufficient to determine the role of this variant in disease. Therefore, it has been classified as a Variant of Uncertain Significance.